The following is an entry in ClinVar:

ClinVar aggregate classification (germline): Pathogenic (1 of 4 stars; one submission).

Submission:

Labcorp Genetics (formerly Invitae), Labcorp
Classification: Pathogenic. Last evaluated: 2025-07-05. Review status: criteria provided, single submitter. Criteria: Invitae Variant Classification Sherloc (09022015). Collection method: clinical testing. Allele origin: germline.
Comment: This sequence change replaces aspartic acid, which is acidic and polar, with alanine, which is neutral and non-polar, at codon 1147 of the SMARCA2 protein (p.Asp1147Ala). This variant is not present in population databases (gnomAD no frequency). This missense change has been observed in individual(s) with clinical features of SMARCA2-related conditions (internal data). In at least one individual the variant was observed to be de novo. ClinVar contains an entry for this variant (Variation ID: 3704417). Invitae Evidence Modeling of protein sequence and biophysical properties (such as structural, functional, and spatial information, amino acid conservation, physicochemical variation, residue mobility, and thermodynamic stability) indicates that this missense variant is expected to disrupt SMARCA2 protein function with a positive predictive value of 80%. For these reasons, this variant has been classified as Pathogenic.

NM_003070.5(SMARCA2):c.3440A>C (p.Asp1147Ala)

Gene: SMARCA2 (SWI/SNF related BAF chromatin remodeling complex subunit ATPase 2; plus strand). Cytogenetic location: 9p24.3.
Variant type: single nucleotide variant.
Coding change: c.3440A>C on transcript NM_003070.5 (MANE Select); coding-DNA position 3440, A replaced by C.
Protein change: p.Asp1147Ala; replaces aspartic acid 1147 with alanine.
Molecular consequence: missense variant.
Genome position (GRCh38, 1-based): chr9:2,110,401, A>C. VCF-style: chr9-2110401-A-C. GRCh37 (hg19) VCF-style: chr9-2110401-A-C.
Other names: c.3440A>C, p.Asp1147Ala (NM_001289396.2, NM_139045.4); c.3266A>C, p.Asp1089Ala (NM_001289397.2); short protein forms D1089A, D1147A.
Identifiers: ClinVar variation 3704417 (VCV003704417.2).